The following is an entry in ClinVar:

NM_001039752.4(SLC22A10):c.795G>A (p.Ala265=)

Gene: SLC22A10 (solute carrier family 22 member 10 (gene/pseudogene); plus strand). Cytogenetic location: 11q12.3.
Variant type: single nucleotide variant.
Coding change: c.795G>A on transcript NM_001039752.4; coding-DNA position 795, G replaced by A.
Protein change: p.Ala265=; no amino-acid change (alanine 265 retained).
Molecular consequence: synonymous variant. On other transcripts: non-coding transcript variant (1).
Genome position (GRCh38, 1-based): chr11:63,297,692, G>A. VCF-style: chr11-63297692-G-A. GRCh37 (hg19) VCF-style: chr11-63065164-G-A.
Identifiers: ClinVar variation 2641899 (VCV002641899.24), dbSNP rs146046305, ClinGen allele CA6061235.

ClinVar aggregate classification (germline): Likely benign (1 of 4 stars; one submission).

Allele frequency attached by ClinVar (database versions not stated): 1000 Genomes Project 0.00240; 1000 Genomes Project 30x 0.00250; ESP Exome Variant Server 0.00354; gnomAD 0.00385; ExAC 0.00453.

Submission:

CeGaT Center for Human Genetics Tuebingen
Classification: Likely benign. Last evaluated: 2023-03-01. Review status: criteria provided, single submitter. Criteria: CeGaT Center For Human Genetics Tuebingen Variant Classification Criteria Version 2. Collection method: clinical testing. Allele origin: germline. Affected: yes. Observed: 1 variant allele.
Comment: SLC22A10: BP4, BP7, BS2